The following is an entry in ClinVar:

NM_003014.4(SFRP4):c.7C>T (p.Leu3Phe)

Gene: SFRP4 (secreted frizzled related protein 4; minus strand). Cytogenetic location: 7p14.1.
Variant type: single nucleotide variant.
Coding change: c.7C>T on transcript NM_003014.4 (MANE Select); coding-DNA position 7, C replaced by T.
Protein change: p.Leu3Phe; replaces leucine 3 with phenylalanine.
Molecular consequence: missense variant.
Genome position (GRCh38, 1-based): chr7:37,916,531, G>A on the plus strand (C>T on the coding strand, the complement: SFRP4 is on the minus strand). VCF-style: chr7-37916531-G-A. GRCh37 (hg19) VCF-style: chr7-37956133-G-A.
Other names: short protein forms L3F.
Identifiers: ClinVar variation 2174882 (VCV002174882.1), dbSNP rs200498112, ClinGen allele CA367221402.

ClinVar aggregate classification (germline): Uncertain significance (1 of 4 stars; one submission).

Submission:

Labcorp Genetics (formerly Invitae), Labcorp
Classification: Uncertain significance. Last evaluated: 2022-04-25. Review status: criteria provided, single submitter. Criteria: Invitae Variant Classification Sherloc (09022015). Collection method: clinical testing. Allele origin: germline.
Comment: This sequence change replaces leucine, which is neutral and non-polar, with phenylalanine, which is neutral and non-polar, at codon 3 of the SFRP4 protein (p.Leu3Phe). This variant is present in population databases (no rsID available, gnomAD 0.0009%). This variant has not been reported in the literature in individuals affected with SFRP4-related conditions. Algorithms developed to predict the effect of missense changes on protein structure and function are either unavailable or do not agree on the potential impact of this missense change (SIFT: "Deleterious"; PolyPhen-2: "Possibly Damaging"; Align-GVGD: "Class C0"). In summary, the available evidence is currently insufficient to determine the role of this variant in disease. Therefore, it has been classified as a Variant of Uncertain Significance.